The following is an entry in ClinVar:

NM_022841.7(RFX7):c.3436C>T (p.Pro1146Ser)

Gene: RFX7 (regulatory factor X7; minus strand). Cytogenetic location: 15q21.3.
Variant type: single nucleotide variant.
Coding change: c.3436C>T on transcript NM_022841.7 (MANE Select); coding-DNA position 3436, C replaced by T.
Protein change: p.Pro1146Ser; replaces proline 1146 with serine.
Molecular consequence: missense variant.
Genome position (GRCh38, 1-based): chr15:56,094,292, G>A on the plus strand (C>T on the coding strand, the complement: RFX7 is on the minus strand). VCF-style: chr15-56094292-G-A. GRCh37 (hg19) VCF-style: chr15-56386490-G-A.
Other names: c.3145C>T, p.Pro1049Ser (NM_001368073.2, NM_001368074.1, NM_001370554.1); c.3436C>T, p.Pro1146Ser (NM_001370561.1); short protein forms P1049S, P1146S.
Identifiers: ClinVar variation 3899585 (VCV003899585.1).

ClinVar aggregate classification (germline): Uncertain significance (1 of 4 stars; one submission).

Submission:

GeneDx
Classification: Uncertain significance. Last evaluated: 2024-11-11. Review status: criteria provided, single submitter. Criteria: GeneDx Variant Classification Process June 2021. Collection method: clinical testing. Allele origin: germline. Affected: yes.
Comment: Not observed at significant frequency in large population cohorts (gnomAD); In silico analysis supports that this missense variant has a deleterious effect on protein structure/function; Has not been previously published as pathogenic or benign to our knowledge